The following is an entry in ClinVar:

ClinVar aggregate classification (germline): Benign/Likely benign. Review status: criteria provided, multiple submitters, no conflicts (2 of 4 stars). 6 submissions from 6 submitters: Benign (2); Likely benign (3). 1 of the submissions does not count toward it. Last evaluated 2026-01-28.

Conditions:
Mucopolysaccharidosis, MPS-III-A (MPS3A). Also called: MUCOPOLYSACCHARIDOSIS, TYPE IIIA, ATTENUATED; Mucopolysaccharidosis type IIIA (Sanfilippo A); mucopolysaccharidosis type 3A; MPS IIIA (Sanfilippo Syndrome Type A); MPS III A; HEPARAN SULFATE SULFATASE DEFICIENCY. Identifiers: Orphanet 581, Orphanet 79269, MedGen C0086647, MONDO:0009655, OMIM 252900.
SGSH-related disorder. Also called: SGSH-related condition.

Allele frequency attached by ClinVar (database versions not stated): ExAC 0.00158; gnomAD 0.00005 and 0.00022; 1000 Genomes Project 0.00160; TOPMed 0.00005; gnomAD exomes 0.00036 and 0.00077; 1000 Genomes Project 30x 0.00125.

Submissions (6):

Labcorp Genetics (formerly Invitae), Labcorp
Classification: Benign for Mucopolysaccharidosis, MPS-III-A. Last evaluated: 2026-01-28. Review status: criteria provided, single submitter. Criteria: Invitae Variant Classification Sherloc (09022015). Collection method: clinical testing. Allele origin: germline.

PreventionGenetics, part of Exact Sciences
Classification: Likely benign for SGSH-related condition. Last evaluated: 2025-01-23. Review status: criteria provided, single submitter. Criteria: ACMG Guidelines, 2015. Collection method: clinical testing. Allele origin: germline.
Comment: This variant is classified as likely benign based on ACMG/AMP sequence variant interpretation guidelines (Richards et al. 2015 PMID: 25741868, with internal and published modifications).

Blueprint Genetics
Classification: Likely benign. Last evaluated: 2024-11-04. Review status: criteria provided, single submitter. Criteria: ACMG Guidelines, 2015. Collection method: clinical testing. Allele origin: germline.

Genome-Nilou Lab
Classification: Benign for Mucopolysaccharidosis, MPS-III-A. Last evaluated: 2021-11-07. Review status: criteria provided, single submitter. Criteria: ACMG Guidelines, 2015. Collection method: clinical testing. Allele origin: germline. Affected: no.

Illumina Laboratory Services, Illumina
Classification: Likely benign for Mucopolysaccharidosis, MPS-III-A. Last evaluated: 2018-01-13. Review status: criteria provided, single submitter. Criteria: ICSL Variant Classification Criteria 13 December 2019. Collection method: clinical testing. Allele origin: germline.
Comment: This variant was observed in the ICSL laboratory as part of a predisposition screen in an ostensibly healthy population. It had not been previously curated by ICSL or reported in the Human Gene Mutation Database (HGMD: prior to June 1st, 2018), and was therefore a candidate for classification through an automated scoring system. Utilizing variant allele frequency, disease prevalence and penetrance estimates, and inheritance mode, an automated score was calculated to assess if this variant is too frequent to cause the disease. Based on the score and internal cut-off values, a variant classified as likely benign is not then subjected to further curation. The score for this variant resulted in a classification of likely benign for this disease.

Natera, Inc.
Classification: Benign for Mucopolysaccharidosis type IIIA. Last evaluated: 2020-07-29. Review status: no assertion criteria provided. Collection method: clinical testing. Allele origin: germline. Not counted in ClinVar's aggregate classification.

NM_000199.5(SGSH):c.163C>T (p.Arg55Cys)

Gene: SGSH (N-sulfoglucosamine sulfohydrolase; minus strand). Cytogenetic location: 17q25.3.
Variant type: single nucleotide variant.
Coding change: c.163C>T on transcript NM_000199.5 (MANE Select); coding-DNA position 163, C replaced by T.
Protein change: p.Arg55Cys; replaces arginine 55 with cysteine.
Molecular consequence: missense variant. On other transcripts: non-coding transcript variant (1).
Genome position (GRCh38, 1-based): chr17:80,217,118, G>A on the plus strand (C>T on the coding strand, the complement: SGSH is on the minus strand). VCF-style: chr17-80217118-G-A. GRCh37 (hg19) VCF-style: chr17-78190917-G-A.
Other names: c.163C>T, p.Arg55Cys (NM_001352921.3, NM_001352922.2); short protein forms R55C.
Identifiers: ClinVar variation 325846 (VCV000325846.20), dbSNP rs368650877, ClinGen allele CA8818152.
Genomic context (GRCh38, chr17:80,217,118, plus strand): 5'-CGCGGCTGGGAGAGCAGCTGCTGACCGAGGTGAAGGCATTGCGAAAGAGGAGGCTGCGGC[G>A]GGCCAAGGCGTCCAGGTGCGGGGTGGCGATGGCGCTGTTGTTGTACGCGCCACTCTCAAA-3'
Protein context (NP_000190.1, residues 45-65): IATPHLDALA[Arg55Cys]RSLLFRNAFT